The following is an entry in ClinVar:

NM_001614.5(ACTG1):c.658G>A (p.Ala220Thr)

Gene: ACTG1 (actin gamma 1; minus strand). Cytogenetic location: 17q25.3.
Variant type: single nucleotide variant.
Coding change: c.658G>A on transcript NM_001614.5 (MANE Select); coding-DNA position 658, G replaced by A.
Protein change: p.Ala220Thr; replaces alanine 220 with threonine.
Molecular consequence: missense variant. On other transcripts: non-coding transcript variant (1).
Genome position (GRCh38, 1-based): chr17:81,511,332, C>T on the plus strand (G>A on the coding strand, the complement: ACTG1 is on the minus strand). VCF-style: chr17-81511332-C-T. GRCh37 (hg19) VCF-style: chr17-79478358-C-T.
Other names: c.658G>A (NM_001614.3); c.658G>A, p.Ala220Thr (NM_001199954.3); short protein forms A220T.
Identifiers: ClinVar variation 2194092 (VCV002194092.6), dbSNP rs1555666690, ClinGen allele CA401460227.
Genomic context (GRCh38, chr17:81,511,332, plus strand): 5'-AGCTCTTCTCCAGAGAAGAGGAGGATGCGGCGGTGGCCATCTCCTGCTCGAAGTCCAGGG[C>T]GACGTAGCACAGCTTCTCCTTGATGTCGCGCACGATTTCCCGCTCGGCCGTGGTGGTGAA-3'
Protein context (NP_001605.1, residues 210-230): RDIKEKLCYV[Ala220Thr]LDFEQEMATA

ClinVar aggregate classification (germline): Uncertain significance. Review status: criteria provided, multiple submitters, no conflicts (2 of 4 stars). 2 submissions from 2 submitters: Uncertain significance (2). Last evaluated 2024-08-07.

Conditions:
Baraitser-winter syndrome 2. Identifiers: Orphanet 2995, MedGen C3281235, MONDO:0013812, OMIM 614583.
Autosomal dominant nonsyndromic hearing loss 20. Identifiers: Orphanet 90635, MedGen C1858172, MONDO:0011480, OMIM 604717.
Inborn genetic diseases. Identifiers: MedGen C0950123, MeSH D030342.

Allele frequency attached by ClinVar (database versions not stated): gnomAD exomes below 0.00001; TOPMed below 0.00001; gnomAD 0.00001.

Submissions (2):

Labcorp Genetics (formerly Invitae), Labcorp
Classification: Uncertain significance for Baraitser-winter syndrome 2; Autosomal dominant nonsyndromic hearing loss 20. Last evaluated: 2024-08-07. Review status: criteria provided, single submitter. Criteria: Invitae Variant Classification Sherloc (09022015). Collection method: clinical testing. Allele origin: germline.
Comment: This sequence change replaces alanine, which is neutral and non-polar, with threonine, which is neutral and polar, at codon 220 of the ACTG1 protein (p.Ala220Thr). This variant is present in population databases (no rsID available, gnomAD 0.005%). This variant has not been reported in the literature in individuals affected with ACTG1-related conditions. ClinVar contains an entry for this variant (Variation ID: 2194092). Advanced modeling of protein sequence and biophysical properties (such as structural, functional, and spatial information, amino acid conservation, physicochemical variation, residue mobility, and thermodynamic stability) performed at Invitae indicates that this missense variant is not expected to disrupt ACTG1 protein function with a negative predictive value of 80%. In summary, the available evidence is currently insufficient to determine the role of this variant in disease. Therefore, it has been classified as a Variant of Uncertain Significance.

Ambry Genetics
Classification: Uncertain significance for Inborn genetic diseases. Last evaluated: 2023-06-23. Review status: criteria provided, single submitter. Criteria: Ambry Variant Classification Scheme 2023. Collection method: clinical testing. Allele origin: germline.